The following is an entry in ClinVar:

ClinVar aggregate classification (germline): Uncertain significance. Review status: criteria provided, multiple submitters, no conflicts (2 of 4 stars). 4 submissions from 4 submitters: Uncertain significance (4). Last evaluated 2026-04-10.

Conditions:
Neurofibromatosis, type 2 (SWNV). Also called: BILATERAL ACOUSTIC NEUROFIBROMATOSIS; NF2-Related Schwannomatosis; SCHWANNOMATOSIS, VESTIBULAR. Identifiers: Orphanet 637, MedGen C0027832, MONDO:0007039, OMIM 101000. Disease mechanism: loss of function.
Hereditary cancer-predisposing syndrome. Also called: Tumor predisposition; Neoplastic Syndromes, Hereditary; Hereditary Cancer Syndrome; Hereditary neoplastic syndrome. Identifiers: Orphanet 140162, MedGen C0027672, MeSH D009386, MONDO:0015356.

Allele frequency attached by ClinVar (database versions not stated): gnomAD exomes below 0.00001 and 0.00001; ExAC 0.00001; gnomAD 0.00001 and 0.00002; TOPMed 0.00001.
gnomAD v4.1: 12 of 1,612,468 alleles (0.00074%); highest among the groups gnomAD compares: Middle Eastern, 0.016%; no homozygotes.

Submissions (4):

Clinical Genomics Laboratory, Washington University in St. Louis
Classification: Uncertain significance for Neurofibromatosis, type 2. Last evaluated: 2026-04-10. Review status: criteria provided, single submitter. Criteria: ACMG Guidelines, 2015. Collection method: clinical testing. Allele origin: germline.
Comment: An NF2 c.1270C>T (p.Arg424Cys) variant was identified at a near-heterozygous allelic fraction of 49.4%, a frequency which may be consistent with it being of germline origin. This variant has been reported in several individuals affected with neurofibromatosis type 2 (NF2) related schwannomatosis, but not in individuals affected with overgrowth disorder or vascular malformations (Tanaka K et al., PMID: 23714726; Evans DG et al., PMID: 30325044). This variant has been reported in the ClinVar database as a germline variant of uncertain significance by three submitters (Variation ID: 642120). It is only observed on 12/1,612,468 alleles in the general population (gnomAD v4.1.1), indicating it is not a common variant. Computational predictors are uncertain as to the impact of this variant on NF2 function. Due to limited information, and based on ACMG/AMP guidelines for variant interpretation (Richards S et al., PMID: 25741868), the clinical significance of this variant is uncertain at this time.

Labcorp Genetics (formerly Invitae), Labcorp
Classification: Uncertain significance for Neurofibromatosis, type 2. Last evaluated: 2026-01-17. Review status: criteria provided, single submitter. Criteria: Invitae Variant Classification Sherloc (09022015). Collection method: clinical testing. Allele origin: germline.
Comment: This sequence change replaces arginine, which is basic and polar, with cysteine, which is neutral and slightly polar, at codon 424 of the NF2 protein (p.Arg424Cys). This variant is present in population databases (rs763826793, gnomAD 0.003%). This variant has not been reported in the literature in individuals affected with NF2-related conditions. ClinVar contains an entry for this variant (Variation ID: 642120). Invitae Evidence Modeling of protein sequence and biophysical properties (such as structural, functional, and spatial information, amino acid conservation, physicochemical variation, residue mobility, and thermodynamic stability) indicates that this missense variant is not expected to disrupt NF2 protein function with a negative predictive value of 80%. In summary, the available evidence is currently insufficient to determine the role of this variant in disease. Therefore, it has been classified as a Variant of Uncertain Significance.

Ambry Genetics
Classification: Uncertain significance for Hereditary cancer-predisposing syndrome. Last evaluated: 2025-01-13. Review status: criteria provided, single submitter. Criteria: Ambry Variant Classification Scheme 2023. Collection method: clinical testing. Allele origin: germline.
Comment: The p.R424C variant (also known as c.1270C>T), located in coding exon 12 of the NF2 gene, results from a C to T substitution at nucleotide position 1270. The arginine at codon 424 is replaced by cysteine, an amino acid with highly dissimilar properties. This amino acid position is highly conserved in available vertebrate species. In addition, the in silico prediction for this alteration is inconclusive. Based on the available evidence, the clinical significance of this variant remains unclear.

Sema4
Classification: Uncertain significance for Hereditary cancer-predisposing syndrome. Last evaluated: 2021-12-01. Review status: criteria provided, single submitter. Criteria: Sema4 Curation Guidelines. Collection method: curation. Allele origin: germline.
Comment: To the best of our knowledge, the NF2 c.1270C>T (p.R424C) variant has not been reported in individuals with NF2-related disease. This variant was observed in 1/29796 chromosomes in the South Asian population according to the Genome Aggregation Database (PMID: 32461654), and has been reported in ClinVar (Variation ID: 642120). Functional studies have not been performed, and in silico predictions of the variant's effect on protein function are inconclusive. Based on the current evidence available, this variant is interpreted as a variant of uncertain significance.

NM_000268.4(NF2):c.1270C>T (p.Arg424Cys)

Gene: NF2 (NF2, moesin-ezrin-radixin like (MERLIN) tumor suppressor; plus strand). Cytogenetic location: 22q12.2.
Variant type: single nucleotide variant.
Coding change: c.1270C>T on transcript NM_000268.4 (MANE Select); coding-DNA position 1270, C replaced by T.
Protein change: p.Arg424Cys; replaces arginine 424 with cysteine.
Molecular consequence: missense variant. On other transcripts: non-coding transcript variant (1), intron variant (1).
Genome position (GRCh38, 1-based): chr22:29,673,416, C>T. VCF-style: chr22-29673416-C-T. GRCh37 (hg19) VCF-style: chr22-30069405-C-T.
Other names: c.1270C>T, p.Arg424Cys (NM_016418.5, NM_181825.3, NM_181832.3); c.1144C>T, p.Arg382Cys (NM_181828.3); c.1147C>T, p.Arg383Cys (NM_181829.3); c.1021C>T, p.Arg341Cys (NM_181830.3, NM_181831.3); c.448-21336C>T (NM_181833.3); short protein forms R424C, R383C, R382C, R341C.
Identifiers: ClinVar variation 642120 (VCV000642120.14), dbSNP rs763826793, ClinGen allele CA029355.